The following is an entry in ClinVar:

ClinVar aggregate classification (germline): Likely benign. Review status: criteria provided, single submitter (1 of 4 stars). 2 submissions from 2 submitters: Likely benign (1). 1 of the submissions does not count toward it. Last evaluated 2024-10-01.

Conditions:
ARMC5-related disorder. Also called: ARMC5-related condition.

Allele frequency attached by ClinVar (database versions not stated): gnomAD exomes 0.00002; ESP Exome Variant Server 0.00008; ExAC 0.00009; 1000 Genomes Project 30x 0.00016; 1000 Genomes Project 0.00020; TOPMed 0.00027.

Submissions (2):

CeGaT Center for Human Genetics Tuebingen
Classification: Likely benign. Last evaluated: 2024-10-01. Review status: criteria provided, single submitter. Criteria: CeGaT Center For Human Genetics Tuebingen Variant Classification Criteria Version 2. Collection method: clinical testing. Allele origin: germline. Affected: yes. Observed: 1 variant allele.
Comment: ARMC5: BP4, BP7

PreventionGenetics, part of Exact Sciences
Classification: Likely benign for ARMC5-related condition. Last evaluated: 2019-02-21. Review status: no assertion criteria provided. Collection method: clinical testing. Allele origin: germline. Not counted in ClinVar's aggregate classification.
Comment: This variant is classified as likely benign based on ACMG/AMP sequence variant interpretation guidelines (Richards et al. 2015 PMID: 25741868, with internal and published modifications).

NM_001105247.2(ARMC5):c.1479G>A (p.Pro493=)

Gene: ARMC5 (armadillo repeat containing 5; plus strand). Cytogenetic location: 16p11.2.
Variant type: single nucleotide variant.
Coding change: c.1479G>A on transcript NM_001105247.2 (MANE Select); coding-DNA position 1479, G replaced by A.
Protein change: p.Pro493=; no amino-acid change (proline 493 retained).
Molecular consequence: synonymous variant.
Genome position (GRCh38, 1-based): chr16:31,464,502, G>A. VCF-style: chr16-31464502-G-A. GRCh37 (hg19) VCF-style: chr16-31475823-G-A.
Other names: c.1764G>A, p.Pro588= (NM_001288767.2); c.1575G>A, p.Pro525= (NM_001301820.1); c.1479G>A, p.Pro493= (NM_024742.2).
Identifiers: ClinVar variation 3038508 (VCV003038508.16), dbSNP rs376497413, ClinGen allele CA8029689.